The following is an entry in ClinVar:

NM_213653.4(HJV):c.904G>A (p.Glu302Lys)

Gene: HJV (hemojuvelin BMP co-receptor; minus strand). Cytogenetic location: 1q21.1.
Variant type: single nucleotide variant.
Coding change: c.904G>A on transcript NM_213653.4 (MANE Select); coding-DNA position 904, G replaced by A.
Protein change: p.Glu302Lys; replaces glutamic acid 302 with lysine.
Molecular consequence: missense variant.
Genome position (GRCh38, 1-based): chr1:146,018,454, C>T on the plus strand (G>A on the coding strand, the complement: HJV is on the minus strand). VCF-style: chr1-146018454-C-T. GRCh37 (hg19) VCF-style: chr1-145416559-G-A.
Other names: c.226G>A, p.Glu76Lys (NM_001316767.2, NM_202004.4, NM_213652.4); c.904G>A, p.Glu302Lys (NM_001379352.1); c.565G>A, p.Glu189Lys (NM_145277.5); short protein forms E189K, E302K, E76K.
Identifiers: ClinVar variation 658524 (VCV000658524.26), dbSNP rs143496559, ClinGen allele CA1053917.

ClinVar aggregate classification (germline): Uncertain significance. Review status: criteria provided, multiple submitters, no conflicts (2 of 4 stars). 6 submissions from 6 submitters: Uncertain significance (5). 1 of the submissions does not count toward it. Last evaluated 2025-12-09.

Conditions:
Hemochromatosis type 2A (HFE2A). Also called: HJV (HFE2)-Related Juvenile Hemochromatosis; Adult-Onset Hemochromatosis. Identifiers: Orphanet 79230, MedGen C1865614, MONDO:0011216, OMIM 602390.
HJV-related disorder. Also called: HJV-related condition.

Allele frequency attached by ClinVar (database versions not stated): 1000 Genomes Project 30x 0.00047; gnomAD exomes 0.00049 and 0.00029; gnomAD 0.00051 and 0.00053; TOPMed 0.00061; ExAC 0.00026; ESP Exome Variant Server 0.00031; 1000 Genomes Project 0.00040.
gnomAD v4.1: 792 of 1,614,196 alleles (0.049%); highest among the groups gnomAD compares: Admixed American, 0.093%; no homozygotes.

Submissions (6):

PreventionGenetics, part of Exact Sciences
Classification: Uncertain significance for HJV-related condition. Last evaluated: 2025-12-09. Review status: criteria provided, single submitter. Criteria: ACMG Guidelines, 2015. Collection method: clinical testing. Allele origin: germline.
Comment: The HJV c.904G>A variant is predicted to result in the amino acid substitution p.Glu302Lys. This variant was reported in the heterozygous state in two individuals with hemochromatosis (Santos et al. 2011. PubMed ID: 21411349), and one individual who was also homozygous for a pathogenic variant in HFE (Le Gac et al. 2004. PubMed ID: 15254010). This variant is reported in 0.11% of alleles in individuals of Ashkenazi Jewish descent in gnomAD. Although we suspect that this variant may be benign, at this time, the clinical significance of this variant is uncertain due to the absence of conclusive functional and genetic evidence.

Fulgent Genetics
Classification: Uncertain significance for Hemochromatosis type 2A. Last evaluated: 2021-11-08. Review status: criteria provided, single submitter. Criteria: ACMG Guidelines, 2015. Collection method: clinical testing. Allele origin: unknown.

Labcorp Genetics (formerly Invitae), Labcorp
Classification: Uncertain significance. Last evaluated: 2021-07-15. Review status: criteria provided, single submitter. Criteria: Invitae Variant Classification Sherloc (09022015). Collection method: clinical testing. Allele origin: germline.
Comment: This sequence change replaces glutamic acid with lysine at codon 302 of the HJV protein (p.Glu302Lys). The glutamic acid residue is highly conserved and there is a small physicochemical difference between glutamic acid and lysine. This variant is present in population databases (rs143496559, ExAC 0.06%). This missense change has been observed in individual(s) with iron overload (PMID: 15254010, 21411349). Algorithms developed to predict the effect of missense changes on protein structure and function are either unavailable or do not agree on the potential impact of this missense change (SIFT: "Deleterious"; PolyPhen-2: "Benign"; Align-GVGD: "Class C0"). In summary, the available evidence is currently insufficient to determine the role of this variant in disease. Therefore, it has been classified as a Variant of Uncertain Significance.

Illumina Laboratory Services, Illumina
Classification: Uncertain significance for Hemochromatosis type 2A. Last evaluated: 2017-04-28. Review status: criteria provided, single submitter. Criteria: ICSL Variant Classification Criteria 13 December 2019. Collection method: clinical testing. Allele origin: germline.
Comment: This variant was observed as part of a predisposition screen in an ostensibly healthy population. A literature search was performed for the gene, cDNA change, and amino acid change (where applicable). Publications were found based on this search. However, the evidence from the literature, in combination with allele frequency data from public databases where available, was not sufficient to rule this variant in or out of causing disease. Therefore, this variant is classified as a variant of unknown significance.

Breakthrough Genomics
Classification: Uncertain significance. Review status: criteria provided, single submitter. Criteria: ACMG Guidelines, 2015. Collection method: not provided. Allele origin: germline. Inheritance: Autosomal recessive inheritance. Affected: yes.

Natera, Inc.
Classification: Uncertain significance for Hemochromatosis type 2A. Last evaluated: 2020-01-29. Review status: no assertion criteria provided. Collection method: clinical testing. Allele origin: germline. Not counted in ClinVar's aggregate classification.

Literature cited by the submitters: PubMed 15254010 (cited by Labcorp Genetics (formerly Invitae), Labcorp and Illumina Laboratory Services, Illumina); PubMed 21411349 (cited by Labcorp Genetics (formerly Invitae), Labcorp and Illumina Laboratory Services, Illumina).